The following is an entry in ClinVar:

NM_032806.6(POMGNT2):c.243C>G (p.Phe81Leu)

Gene: POMGNT2 (protein O-linked mannose N-acetylglucosaminyltransferase 2 (beta 1,4-); minus strand). Cytogenetic location: 3p22.1.
Variant type: single nucleotide variant.
Coding change: c.243C>G on transcript NM_032806.6 (MANE Select); coding-DNA position 243, C replaced by G.
Protein change: p.Phe81Leu; replaces phenylalanine 81 with leucine.
Molecular consequence: missense variant.
Genome position (GRCh38, 1-based): chr3:43,081,189, G>C on the plus strand (C>G on the coding strand, the complement: POMGNT2 is on the minus strand). VCF-style: chr3-43081189-G-C. GRCh37 (hg19) VCF-style: chr3-43122681-G-C.
Other names: c.243C>G (NM_032806.4); short protein forms F81L.
Identifiers: ClinVar variation 1304102 (VCV001304102.12), dbSNP rs373382346, ClinGen allele CA2340119.

ClinVar aggregate classification (germline): Uncertain significance. Review status: criteria provided, multiple submitters, no conflicts (2 of 4 stars). 5 submissions from 5 submitters: Uncertain significance (5). Last evaluated 2025-05-29.

Conditions:
Muscular dystrophy-dystroglycanopathy (congenital with brain and eye anomalies), type a, 8 (MDDGA8). Also called: WALKER-WARBURG SYNDROME OR MUSCLE-EYE-BRAIN DISEASE, GTDC2-RELATED. Identifiers: Orphanet 899, MedGen C3553813, MONDO:0013904, OMIM 614830.
Inborn genetic diseases. Identifiers: MedGen C0950123, MeSH D030342.

Allele frequency attached by ClinVar (database versions not stated): gnomAD 0.00003; TOPMed 0.00003; ESP Exome Variant Server 0.00008.
gnomAD v4.1: 108 of 1,614,090 alleles (0.0067%); highest among the groups gnomAD compares: Non-Finnish European, 0.0089%; no homozygotes.

Submissions (5):

Ambry Genetics
Classification: Uncertain significance for Inborn genetic diseases. Last evaluated: 2025-05-29. Review status: criteria provided, single submitter. Criteria: Ambry Variant Classification Scheme 2023. Collection method: clinical testing. Allele origin: germline.

Revvity Omics, Revvity
Classification: Uncertain significance. Last evaluated: 2025-05-19. Review status: criteria provided, single submitter. Criteria: ACMG Guidelines, 2015. Collection method: clinical testing. Allele origin: germline.

Labcorp Genetics (formerly Invitae), Labcorp
Classification: Uncertain significance for Muscular dystrophy-dystroglycanopathy (congenital with brain and eye anomalies), type a, 8. Last evaluated: 2024-07-29. Review status: criteria provided, single submitter. Criteria: Invitae Variant Classification Sherloc (09022015). Collection method: clinical testing. Allele origin: germline.
Comment: This sequence change replaces phenylalanine, which is neutral and non-polar, with leucine, which is neutral and non-polar, at codon 81 of the POMGNT2 protein (p.Phe81Leu). This variant is present in population databases (rs373382346, gnomAD 0.004%). This variant has not been reported in the literature in individuals affected with POMGNT2-related conditions. ClinVar contains an entry for this variant (Variation ID: 1304102). Advanced modeling of protein sequence and biophysical properties (such as structural, functional, and spatial information, amino acid conservation, physicochemical variation, residue mobility, and thermodynamic stability) performed at Invitae indicates that this missense variant is not expected to disrupt POMGNT2 protein function with a negative predictive value of 80%. In summary, the available evidence is currently insufficient to determine the role of this variant in disease. Therefore, it has been classified as a Variant of Uncertain Significance.

Blueprint Genetics
Classification: Uncertain significance. Last evaluated: 2024-05-10. Review status: criteria provided, single submitter. Criteria: ACMG Guidelines, 2015. Collection method: clinical testing. Allele origin: germline.

GeneDx
Classification: Uncertain significance. Last evaluated: 2021-01-06. Review status: criteria provided, single submitter. Criteria: GeneDx Variant Classification Process June 2021. Collection method: clinical testing. Allele origin: germline. Affected: yes.
Comment: Not observed at a significant frequency in large population cohorts (Lek et al., 2016); In silico analysis supports that this missense variant does not alter protein structure/function; Has not been previously published as pathogenic or benign to our knowledge